The following is an entry in ClinVar:

NM_006516.4(SLC2A1):c.868-1G>A

Gene: SLC2A1 (solute carrier family 2 member 1; minus strand). Cytogenetic location: 1p34.2.
Variant type: single nucleotide variant.
Coding change: c.868-1G>A on transcript NM_006516.4 (MANE Select); the canonical splice acceptor site of the intron before coding-DNA position 868, G replaced by A.
Molecular consequence: splice acceptor variant.
Genome position (GRCh38, 1-based): chr1:42,929,315, C>T on the plus strand (G>A on the coding strand, the complement: SLC2A1 is on the minus strand). VCF-style: chr1-42929315-C-T. GRCh37 (hg19) VCF-style: chr1-43394986-C-T.
Identifiers: ClinVar variation 4293941 (VCV004293941.1).

ClinVar aggregate classification (germline): Likely pathogenic (1 of 4 stars; one submission).

Conditions:
SLC2A1-related disorder. Also called: SLC2A1-related condition; SLC2A1-related disorders.

Submission:

3billion
Classification: Likely pathogenic for SLC2A1-related disorder. Last evaluated: 2024-11-21. Review status: criteria provided, single submitter. Criteria: ACMG Guidelines, 2015. Collection method: clinical testing. Allele origin: germline. Affected: yes.
Comment: The variant is not observed in the gnomAD v4.1.0 dataset. Predicted Consequence/Location: Canonical splice site: predicted to alter splicing and result in a loss or disruption of normal protein function. Multiple pathogenic loss-of-function variants are reported downstream of the variant. In silico tools predict the variant to alter splicing and produce an abnormal transcript [SpliceAI: 1.00 (spliceogenicity >=0.2, non-spliceogenicity <0.1)]. Therefore, this variant is classified as Likely pathogenic according to the recommendation of ACMG/AMP guideline.